The following is an entry in ClinVar:

NM_001376.5(DYNC1H1):c.7545T>G (p.Gly2515=)

Gene: DYNC1H1 (dynein cytoplasmic 1 heavy chain 1; plus strand). Cytogenetic location: 14q32.31.
Variant type: single nucleotide variant.
Coding change: c.7545T>G on transcript NM_001376.5 (MANE Select); coding-DNA position 7545, T replaced by G.
Protein change: p.Gly2515=; no amino-acid change (glycine 2515 retained).
Molecular consequence: synonymous variant.
Genome position (GRCh38, 1-based): chr14:102,016,420, T>G. VCF-style: chr14-102016420-T-G. GRCh37 (hg19) VCF-style: chr14-102482757-T-G.
Identifiers: ClinVar variation 5002283 (VCV005002283.1).

ClinVar aggregate classification (germline): Likely benign (1 of 4 stars; one submission).

Conditions:
DYNC1H1-related disorder. Also called: DYNC1H1-related condition; DYNC1H1-related disorders. Identifiers: MedGen CN381529.

Submission:

PreventionGenetics, part of Exact Sciences
Classification: Likely benign for DYNC1H1-related condition. Last evaluated: 2025-03-12. Review status: criteria provided, single submitter. Criteria: ACMG Guidelines, 2015. Collection method: clinical testing. Allele origin: germline.
Comment: This variant is classified as likely benign based on ACMG/AMP sequence variant interpretation guidelines (Richards et al. 2015 PMID: 25741868, with internal and published modifications).